The following is an entry in ClinVar:

NM_002734.5(PRKAR1A):c.782A>T (p.Lys261Met)

Gene: PRKAR1A (protein kinase cAMP-dependent type I regulatory subunit alpha; plus strand). Cytogenetic location: 17q24.2.
Variant type: single nucleotide variant.
Coding change: c.782A>T on transcript NM_002734.5 (MANE Select); coding-DNA position 782, A replaced by T.
Protein change: p.Lys261Met; replaces lysine 261 with methionine.
Molecular consequence: missense variant.
Genome position (GRCh38, 1-based): chr17:68,528,882, A>T. VCF-style: chr17-68528882-A-T. GRCh37 (hg19) VCF-style: chr17-66525023-A-T.
Other names: c.782A>T, p.Lys261Met (NM_001276289.2, NM_001276290.1, NM_001278433.2 and 4 more transcripts); short protein forms K261M.
Identifiers: ClinVar variation 1446223 (VCV001446223.11), dbSNP rs1568701297, ClinGen allele CA400753806.

ClinVar aggregate classification (germline): Uncertain significance. Review status: criteria provided, multiple submitters, no conflicts (2 of 4 stars). 2 submissions from 2 submitters: Uncertain significance (2). Last evaluated 2025-03-06.

Conditions:
Hereditary cancer-predisposing syndrome. Also called: Tumor predisposition; Hereditary Cancer Syndrome; Hereditary neoplastic syndrome; Neoplastic Syndromes, Hereditary. Identifiers: Orphanet 140162, MedGen C0027672, MeSH D009386, MONDO:0015356.
Carney complex, type 1 (CNC1). Also called: CARNEY COMPLEX, TYPE I; CARNEY MYXOMA-ENDOCRINE COMPLEX. Identifiers: Orphanet 1359, MedGen C2607929, MONDO:0008057, OMIM 160980.

Allele frequency attached by ClinVar (database versions not stated): TOPMed below 0.00001.

Submissions (2):

Ambry Genetics
Classification: Uncertain significance for Hereditary cancer-predisposing syndrome. Last evaluated: 2025-03-06. Review status: criteria provided, single submitter. Criteria: Ambry Variant Classification Scheme 2023. Collection method: clinical testing. Allele origin: germline.
Comment: The p.K261M variant (also known as c.782A>T), located in coding exon 8 of the PRKAR1A gene, results from an A to T substitution at nucleotide position 782. The lysine at codon 261 is replaced by methionine, an amino acid with similar properties. This amino acid position is highly conserved in available vertebrate species. In addition, this alteration is predicted to be deleterious by in silico analysis. Based on the available evidence, the clinical significance of this variant remains unclear.

Labcorp Genetics (formerly Invitae), Labcorp
Classification: Uncertain significance for Carney complex, type 1. Last evaluated: 2023-08-11. Review status: criteria provided, single submitter. Criteria: Invitae Variant Classification Sherloc (09022015). Collection method: clinical testing. Allele origin: germline.
Comment: This sequence change replaces lysine, which is basic and polar, with methionine, which is neutral and non-polar, at codon 261 of the PRKAR1A protein (p.Lys261Met). In summary, the available evidence is currently insufficient to determine the role of this variant in disease. Therefore, it has been classified as a Variant of Uncertain Significance. Advanced modeling of protein sequence and biophysical properties (such as structural, functional, and spatial information, amino acid conservation, physicochemical variation, residue mobility, and thermodynamic stability) has been performed at Invitae for this missense variant, however the output from this modeling did not meet the statistical confidence thresholds required to predict the impact of this variant on PRKAR1A protein function. ClinVar contains an entry for this variant (Variation ID: 1446223). This variant has not been reported in the literature in individuals affected with PRKAR1A-related conditions. This variant is not present in population databases (gnomAD no frequency).